The following continues an entry in ClinVar:

NM_000049.4(ASPA):c.854A>C (p.Glu285Ala)

ClinVar aggregate classification (germline): Pathogenic/Likely pathogenic. Pathogenic (18); Likely pathogenic (1).

Submissions 13 to 23 of 23:

Myriad Genetics, Inc.
Classification: Pathogenic for Spongy degeneration of central nervous system. Last evaluated: 2019-11-12. Review status: criteria provided, single submitter. Criteria: Myriad Women's Health Autosomal Recessive and X-Linked Classification Criteria (2019). Collection method: clinical testing. Allele origin: unknown.
Comment: NM_000049.2(ASPA):c.854A>C(E285A) is classified as pathogenic in the context of Canavan disease. Sources cited for classification include the following: PMID 8252036, 8037206 and 22850825. Classification of NM_000049.2(ASPA):c.854A>C(E285A) is based on the following criteria: This is a well-established pathogenic variant in the literature that has been observed more frequently in patients with clinical diagnoses than in healthy populations. Please note: this variant was assessed in the context of healthy population screening.

Illumina Laboratory Services, Illumina
Classification: Pathogenic for Spongy degeneration of central nervous system. Last evaluated: 2018-11-24. Review status: criteria provided, single submitter. Criteria: ICSL Variant Classification Criteria 09 May 2019. Collection method: clinical testing. Allele origin: germline.
Comment: The ASPA c.854A>C (p.Glu285Ala) missense variant has been reported in two studies in which it was found in a total of 19 individuals with Canavan disease. The p.Glu285Ala variant was identified in a homozygous state in 12 individuals, in a compound heterozygous state in two individuals and in a heterozygous state in five individuals in whom the second variant was not identified (Kaul et al. 1993; Zano et al. 2013). The p.Glu285Ala variant along with a second missense variant (p.Tyr231Ter), accounts for 98% of disease-causing alleles in the Ashkenazi Jewish population and 3% of alleles in non-Ashkenazi Jewish populations (Matalon and Michals-Matalon, 1999). The p.Glu285Ala variant was absent from 84 controls and is reported at a frequency of 0.009257 in the Ashkenazi Jewish population of the Genome Aggregation Database. Functional studies in vitro have shown the enzyme activity to be 0.02% of the wild type (Zano et al. 2013). Based on the collective evidence, the p.Glu285Ala variant is classified as pathogenic for Canavan disease. This variant was observed by ICSL as part of a predisposition screen in an ostensibly healthy population.

Fulgent Genetics
Classification: Pathogenic for Spongy degeneration of central nervous system. Last evaluated: 2018-10-31. Review status: criteria provided, single submitter. Criteria: ACMG Guidelines, 2015. Collection method: clinical testing. Allele origin: unknown.

Ambry Genetics
Classification: Pathogenic for Inborn genetic diseases. Last evaluated: 2017-11-06. Review status: criteria provided, single submitter. Criteria: Ambry Variant Classification Scheme 2023. Collection method: clinical testing. Allele origin: germline.
Comment: The p.E285A pathogenic mutation (also known as c.854A>C), located in coding exon 6 of the ASPA gene, results from an A to C substitution at nucleotide position 854. The glutamic acid at codon 285 is replaced by alanine, an amino acid with dissimilar properties. This is the most common ASPA mutation in the Ashkenazi Jewish population. In one study of 17 Ashkenazi Jewish individuals with Canavan disease, 12 probands were homozygous for this mutation (parental carrier status confirmed in 3 cases) and 5 probands were heterozygous for this mutation (Kaul R et al. Nat. Genet., 1993 Oct;5:118-23). A study of the crystal structure of p.E285A mutant protein showed that loss of hydrogen bonding disturbs the active site architecture, leading to altered substrate binding and lower catalytic activity (Wijayasinghe YS et al. Biochemistry, 2014 Aug;53:4970-8). Based on the supporting evidence, p.E285A is interpreted as a disease-causing mutation.

Women's Health and Genetics/Laboratory Corporation of America, LabCorp
Classification: Pathogenic for Canavan Disease, Familial Form. Last evaluated: 2016-06-25. Review status: criteria provided, single submitter. Criteria: LabCorp Variant Classification Summary - May 2015. Collection method: clinical testing. Allele origin: germline.
Comment: Variant summary: The ASPA c.854A>C (p.Glu285Ala) variant involves the alteration of a conserved nucleotide. Glu285 is predicted to be part of the catalytic domain of aspartoacylase with the catalytic center of aspartoacylase involves a triad of Ser, His and Glu residues. 4/4 in silico tools predict a damaging outcome for this variant . Functional studies show that patients with this variant have very low enzyme activity. This variant was found in 43/120850 control chromosomes, predominantly observed in the European (Non-Finnish) subpopulation at a frequency of 0.000633 (42/66354). These frequencies are lower than the estimated maximal expected allele frequency of a pathogenic ASPA variant (0.0079057). Furthermore, this variant is a commonly known AJ founder mutation in the literature. The variant has been identified in many compound heterozygous and homozygous patients in the literature. In addition, multiple clinical diagnostic laboratories classified this variant as pathogenic. Taken together, this variant is classified as pathogenic.

Eurofins Ntd Llc (ga)
Classification: Pathogenic. Last evaluated: 2016-01-15. Review status: criteria provided, single submitter. Criteria: EGL Classification Definitions 2015. Collection method: clinical testing. Allele origin: germline. Observed: 6 variant alleles, 6 heterozygotes.

Laboratory for Molecular Medicine, Mass General Brigham Personalized Medicine
Classification: Pathogenic for Spongy degeneration of central nervous system. Last evaluated: 2014-10-02. Review status: criteria provided, single submitter. Criteria: LMM Criteria. Collection method: clinical testing. Allele origin: germline. Inheritance: Autosomal recessive inheritance. Observed: 3 variant alleles.
Comment: The p.Glu285Ala variant in ASPA is one of the most frequent pathogenic variants implicated in Canavan disease and has been reported in at least 19 Ashkenazi Jew ish individuals with the disease. Most of these individuals were homozygous (Kau l 1993). This variant has also been identified 0.04% (43/120,682) of chromosomes by the Exome Aggregation Consortium (ExAC; dbSN P rs28940279). In vitro functional studies also provide evidence that the p.Glu 285Ala variant may impact protein function, leading to <1% of wild type enzymati c activity (Zano 2013). In summary, this variant meets our criteria to be classi fied as pathogenic for Canavan disease in an autosomal recessive manner based up on its biallelic occurrence in affected individuals and functional impact.

Reproductive Health Research and Development, BGI Genomics
Classification: Likely pathogenic for Canavan Disease. Last evaluated: 2020-01-06. Review status: no assertion criteria provided. Collection method: curation. Allele origin: germline. Not counted in ClinVar's aggregate classification.
Comment: NM_000049.2:c.854A>C in the ASPA gene has an allele frequency of 0.009 in Ashkenazi Jewish subpopulation in the gnomAD database. Functional studies demonstrate that c.854A>C has disturbed the active site architecture, leading to altered substrate binding and lower catalytic activity (PMID: 25003821). Elpeleg et al reported that 18 patients with canavan disease, who are homozygous for this variant (PMID: 8037206). Pathogenic computational verdict because pathogenic predictions from DANN, DEOGEN2, EIGEN, FATHMM-MKL, M-CAP, MVP, MutationAssessor, MutationTaster, PrimateAI, REVEL and SIFT. Taken together, we interprete this variant as a Pathogenic/Likely pathogenic. ACMG/AMP criteria applied: PS3; PM3; PP3; PP4.

OMIM
Classification: Pathogenic for CANAVAN DISEASE. Last evaluated: 1994-08-01. Review status: no assertion criteria provided. Collection method: literature only. Allele origin: germline. Not counted in ClinVar's aggregate classification.

Department of Pathology and Laboratory Medicine, Sinai Health System
Classification: Pathogenic. Review status: no assertion criteria provided. Collection method: clinical testing. Allele origin: unknown. Affected: yes. Study: The Canadian Open Genetics Repository (COGR). Not counted in ClinVar's aggregate classification.
Comment: The ASPA p.Glu285Ala variant is a well-known causal variant for autosomal recessive Canavan disease (CD), and is known to be associated with 84% of CD alleles in the Ashkenazi Jewish population (Matalon_1997_PMID: 10464621). This variant was identified in dbSNP (ID: rs28940279), Clinvitae, MutDB, LOVD 3.0 and ClinVar (reported as pathogenic for CD by Invitae, Emory, Partners Laboratory for Molecular Medicine, GeneDx, Counsyl and Integrated Genetics). The variant was identified in control databases in 113 of 282830 chromosomes at a frequency of 0.0004 (Genome Aggregation Database Feb 27, 2017). The variant was observed in the following populations: Ashkenazi Jewish in 96 of 10370 chromosomes (freq: 0.009257), Other in 7 of 7228 chromosomes (freq: 0.000969), African in 2 of 24964 chromosomes (freq: 0.00008) and European (non-Finnish) in 8 of 129156 chromosomes (freq: 0.000062); it was not observed in the Latino, East Asian, European (Finnish), and South Asian populations. Multiple functional studies have shown the p.Glu285Ala mutation to cause loss of ASPA enzymatic activity (Hershfield_2007_PMID: 17391648; Mendes_2017_PMID: 28101991). The p.Glu285 residue is conserved across mammals and other organisms, and computational analyses (PolyPhen-2, SIFT, AlignGVGD, BLOSUM, and MutationTaster) suggest that the variant impacts the protein. In summary, based on the above information this variant meets our laboratoryâ€šÃ„Ã´s criteria to be classified as pathogenic.

GeneReviews
No classification provided. Condition: Spongy degeneration of central nervous system. Review status: no classification provided. Collection method: literature only. Allele origin: germline. Not counted in ClinVar's aggregate classification.

Literature cited by the submitters: PubMed 8037206 (cited by 4 submitters); PubMed 8252036 (cited by 9 submitters); PubMed 25003821 (cited by 4 submitters); PubMed 22850825 (cited by 6 submitters); PubMed 803720 (cited by Otogenetics); PubMed 34011350 (cited by 3 submitters); PubMed 16854607 (cited by Natera, Inc.); PubMed 25668701 (cited by Victorian Clinical Genetics Services, Murdoch Childrens Research Institute); PubMed 20301412 (cited by Illumina Laboratory Services, Illumina); PubMed 8659549 (cited by Women's Health and Genetics/Laboratory Corporation of America, LabCorp).